The following is an entry in ClinVar:

NM_001033044.4(GLUL):c.602A>C (p.Gln201Pro)

Genes: GLUL (glutamate-ammonia ligase; minus strand), LOC126805944 (CDK7 strongly-dependent group 2 enhancer GRCh37_chr1:182354799-182355998; plus strand). Cytogenetic location: 1q25.3.
Variant type: single nucleotide variant.
Coding change: c.602A>C on transcript NM_001033044.4 (MANE Select); coding-DNA position 602, A replaced by C.
Protein change: p.Gln201Pro; replaces glutamine 201 with proline.
Molecular consequence: missense variant.
Genome position (GRCh38, 1-based): chr1:182,385,761, T>G on the plus strand (A>C on the coding strand, the complement: GLUL is on the minus strand). VCF-style: chr1-182385761-T-G. GRCh37 (hg19) VCF-style: chr1-182354896-T-G.
Other names: c.602A>C, p.Gln201Pro (NM_001033056.4, NM_002065.7); short protein forms Q201P.
Identifiers: ClinVar variation 4277364 (VCV004277364.1).

ClinVar aggregate classification (germline): Likely pathogenic (1 of 4 stars; one submission).

Conditions:
Developmental and epileptic encephalopathy 116. Identifiers: MedGen C5935615, MONDO:0970945, OMIM 620806.

Submission:

Undiagnosed Diseases Network, NIH
Classification: Likely pathogenic for Developmental and epileptic encephalopathy 116. Last evaluated: 2025-07-29. Review status: criteria provided, single submitter. Criteria: ACMG Guidelines, 2015. Collection method: clinical testing. Allele origin: de novo. Affected: yes. Observed: 1 variant allele, 1 heterozygote. Study: Undiagnosed Diseases Network (NIH), UDN.
Comment: This variant has not been observed in gnomad database. This variant is predicted to be deleterious (CADD: 32, REVEL: 0.977, AlphaMissense: 0.99).